The following is an entry in ClinVar:

ClinVar aggregate classification (germline): Conflicting classifications of pathogenicity. Review status: criteria provided, conflicting classifications (1 of 4 stars). 4 submissions from 4 submitters: Uncertain significance (1); Likely benign (3). Last evaluated 2026-01-22.

Conditions:
Fanconi anemia (FA). Also called: Fanconi's anemia. Identifiers: Orphanet 84, MedGen C0015625, MeSH D005199, MONDO:0019391.
Fanconi anemia complementation group A (FANCA). Also called: Fanconi anemia, group A; FANCA-Related Fanconi Anemia. Identifiers: Orphanet 84, MedGen C3469521, MONDO:0009215, OMIM 227650.

Allele frequency attached by ClinVar (database versions not stated): gnomAD 0.00004 and 0.00005; gnomAD exomes 0.00004; TOPMed 0.00006; ExAC 0.00007.
gnomAD v4.1: 84 of 1,613,558 alleles (0.0052%); highest among the groups gnomAD compares: African/African-American, 0.008%; no homozygotes.

Submissions (4):

Labcorp Genetics (formerly Invitae), Labcorp
Classification: Likely benign for Fanconi anemia. Last evaluated: 2026-01-22. Review status: criteria provided, single submitter. Criteria: Invitae Variant Classification Sherloc (09022015). Collection method: clinical testing. Allele origin: germline.

KCCC/NGS Laboratory, Kuwait Cancer Control Center
Classification: Likely benign for Fanconi anemia complementation group A. Last evaluated: 2023-07-07. Review status: criteria provided, single submitter. Criteria: ACMG Guidelines, 2015. Collection method: clinical testing. Allele origin: germline. Affected: yes.

Sema4
Classification: Uncertain significance for Fanconi anemia. Last evaluated: 2021-09-25. Review status: criteria provided, single submitter. Criteria: Sema4 Curation Guidelines. Collection method: curation. Allele origin: germline.
Comment: The FANCA c.2015-5C>T variant has not been reported in the literature to our knowledge. It was observed in 3/24964 chromosomes of the African/African American subpopulation in the large and broad cohorts of the Genome Aggregation Database (PMID: 32461654). The variant has been reported in ClinVar (Variation ID 255244). In silico tools suggest that the variant does not have an impact on splicing, though these predictions have not been confirmed by functional studies. The evidence is insufficient to meet ACMG/AMP criteria for classifying the variant as benign or pathogenic. Thus, the clinical significance of this variant is currently uncertain.

PreventionGenetics, part of Exact Sciences
Classification: Likely benign. Review status: criteria provided, single submitter. Criteria: ACMG Guidelines, 2015. Collection method: clinical testing. Allele origin: germline.

NM_000135.4(FANCA):c.2015-5C>T

Gene: FANCA (FA complementation group A; minus strand). Cytogenetic location: 16q24.3.
Variant type: single nucleotide variant.
Coding change: c.2015-5C>T on transcript NM_000135.4 (MANE Select); 5 bases into the intron before coding-DNA position 2015, C replaced by T.
Molecular consequence: intron variant.
Genome position (GRCh38, 1-based): chr16:89,771,819, G>A on the plus strand (C>T on the coding strand, the complement: FANCA is on the minus strand). VCF-style: chr16-89771819-G-A. GRCh37 (hg19) VCF-style: chr16-89838227-G-A.
Other names: c.2015-5C>T (LRG_495t1, NM_001286167.3, NM_000135.3).
Identifiers: ClinVar variation 255244 (VCV000255244.14), dbSNP rs780349960, ClinGen allele CA8251937.
Genomic context (GRCh38, chr16:89,771,819, plus strand): 5'-GTGGCCCAGGACAGCCCTCAGTCTTTCAGAAATCACTGCCACCTGTGCCGATATAACTGC[G>A]AAGGAAGAAACTAGTTAGGGATGACAAGAACCCCGAAAGGAGGGATACAGCTGCGGCCTA-3'